The following is an entry in ClinVar:

NM_005902.4(SMAD3):c.364G>T (p.Val122Leu)

Gene: SMAD3 (SMAD family member 3; plus strand). Cytogenetic location: 15q22.33.
Variant type: single nucleotide variant.
Coding change: c.364G>T on transcript NM_005902.4 (MANE Select); coding-DNA position 364, G replaced by T.
Protein change: p.Val122Leu; replaces valine 122 with leucine.
Molecular consequence: missense variant.
Genome position (GRCh38, 1-based): chr15:67,165,052, G>T. VCF-style: chr15-67165052-G-T. GRCh37 (hg19) VCF-style: chr15-67457390-G-T.
Other names: c.49G>T, p.Val17Leu (NM_001145102.2, NM_001407015.1, NM_001407016.1); c.232G>T, p.Val78Leu (NM_001145103.2); c.364G>T, p.Val122Leu (NM_001407011.1, NM_001407012.1, NM_001407013.1); c.217G>T, p.Val73Leu (NM_001407014.1); short protein forms V122L, V17L, V73L, V78L.
Identifiers: ClinVar variation 2830131 (VCV002830131.4), dbSNP rs587782977, ClinGen allele CA392954135.

ClinVar aggregate classification (germline): Uncertain significance. Review status: criteria provided, multiple submitters, no conflicts (2 of 4 stars). 2 submissions from 2 submitters: Uncertain significance (2). Last evaluated 2025-07-03.

Conditions:
Familial thoracic aortic aneurysm and aortic dissection (TAAD). Also called: Thoracic aortic aneurysms and dissections. Identifiers: Orphanet 91387, MedGen C4707243, MONDO:0019625.

gnomAD v4.1: 1 of 1,614,188 alleles (0.000062%); highest among the groups gnomAD compares: Non-Finnish European, 0.000085%; no homozygotes.

Submissions (2):

Color Diagnostics, LLC DBA Color Health
Classification: Uncertain significance for Familial thoracic aortic aneurysm and aortic dissection. Last evaluated: 2025-07-03. Review status: criteria provided, single submitter. Criteria: ACMG Guidelines, 2015. Collection method: clinical testing. Allele origin: germline.
Comment: This missense variant replaces valine with leucine at codon 122 of the SMAD3 protein. Computational prediction suggests that this variant may have a deleterious impact on protein structure and function. To our knowledge, functional studies have not been reported for this variant. This variant has not been reported in individuals affected with SMAD3-related disorders in the literature. This variant has not been identified in the general population by the Genome Aggregation Database (gnomAD). A different variant affecting the same codon, p.Vsal122Met, is considered to be disease-causing (ClinVar variation ID: 155836), suggesting that valine at this position is important for SMAD3 protein function. The available evidence is insufficient to determine the role of this variant in disease conclusively. Therefore, this variant is classified as a Variant of Uncertain Significance.

Labcorp Genetics (formerly Invitae), Labcorp
Classification: Uncertain significance for Familial thoracic aortic aneurysm and aortic dissection. Last evaluated: 2024-08-13. Review status: criteria provided, single submitter. Criteria: Invitae Variant Classification Sherloc (09022015). Collection method: clinical testing. Allele origin: germline.
Comment: This sequence change replaces valine, which is neutral and non-polar, with leucine, which is neutral and non-polar, at codon 122 of the SMAD3 protein (p.Val122Leu). This variant is not present in population databases (gnomAD no frequency). This missense change has been observed in individual(s) with SMAD3-related conditions (Invitae). Invitae Evidence Modeling of protein sequence and biophysical properties (such as structural, functional, and spatial information, amino acid conservation, physicochemical variation, residue mobility, and thermodynamic stability) indicates that this missense variant is expected to disrupt SMAD3 protein function with a positive predictive value of 80%. This variant disrupts the p.Val122 amino acid residue in SMAD3. Other variant(s) that disrupt this residue have been determined to be pathogenic (PMID: 30661052, 31915033). This suggests that this residue is clinically significant, and that variants that disrupt this residue are likely to be disease-causing. In summary, the available evidence is currently insufficient to determine the role of this variant in disease. Therefore, it has been classified as a Variant of Uncertain Significance.

Literature cited by the submitters: PubMed 30661052 (cited by Labcorp Genetics (formerly Invitae), Labcorp); PubMed 31915033 (cited by Labcorp Genetics (formerly Invitae), Labcorp).